The following is an entry in ClinVar:

NM_001379110.1(SLC9A6):c.425A>G (p.Tyr142Cys)

Gene: SLC9A6 (solute carrier family 9 member A6; plus strand). Cytogenetic location: Xq26.3.
Variant type: single nucleotide variant.
Coding change: c.425A>G on transcript NM_001379110.1 (MANE Select); coding-DNA position 425, A replaced by G.
Protein change: p.Tyr142Cys; replaces tyrosine 142 with cysteine.
Molecular consequence: missense variant.
Genome position (GRCh38, 1-based): chrX:135,998,163, A>G. VCF-style: chrX-135998163-A-G. GRCh37 (hg19) VCF-style: chrX-135080322-A-G.
Other names: c.581A>G, p.Tyr194Cys (NM_001042537.2); c.425A>G, p.Tyr142Cys (NM_001177651.2); c.329A>G, p.Tyr110Cys (NM_001330652.2); c.485A>G, p.Tyr162Cys (NM_006359.3); short protein forms Y162C, Y194C, Y110C, Y142C.
Identifiers: ClinVar variation 469636 (VCV000469636.11), dbSNP rs1556616834, ClinGen allele CA414749819.

ClinVar aggregate classification (germline): Uncertain significance. Review status: criteria provided, multiple submitters, no conflicts (2 of 4 stars). 3 submissions from 3 submitters: Uncertain significance (3). Last evaluated 2023-10-23.

Conditions:
Christianson syndrome (MRXSCH). Also called: X-linked mental retardation, syndromic, Christianson type; INTELLECTUAL DEVELOPMENTAL DISORDER, X-LINKED, SYNDROMIC, CHRISTIANSON TYPE; SLC9A6-Related Syndromic Mental Retardation. Identifiers: Orphanet 85278, MedGen C2678194, MONDO:0010278, OMIM 300243.

Allele frequency attached by ClinVar (database versions not stated): gnomAD exomes below 0.00001; gnomAD 0.00001.
gnomAD v4.1: 3 of 1,118,243 alleles (0.00027%); highest among the groups gnomAD compares: Admixed American, 0.0066%; no homozygotes.

Submissions (3):

Labcorp Genetics (formerly Invitae), Labcorp
Classification: Uncertain significance for Christianson syndrome. Last evaluated: 2023-10-23. Review status: criteria provided, single submitter. Criteria: Invitae Variant Classification Sherloc (09022015). Collection method: clinical testing. Allele origin: germline.
Comment: This sequence change replaces tyrosine, which is neutral and polar, with cysteine, which is neutral and slightly polar, at codon 162 of the SLC9A6 protein (p.Tyr162Cys). This variant is not present in population databases (gnomAD no frequency). This variant has not been reported in the literature in individuals affected with SLC9A6-related conditions. ClinVar contains an entry for this variant (Variation ID: 469636). Advanced modeling of protein sequence and biophysical properties (such as structural, functional, and spatial information, amino acid conservation, physicochemical variation, residue mobility, and thermodynamic stability) performed at Invitae indicates that this missense variant is not expected to disrupt SLC9A6 protein function with a negative predictive value of 80%. In summary, the available evidence is currently insufficient to determine the role of this variant in disease. Therefore, it has been classified as a Variant of Uncertain Significance.

GeneDx
Classification: Uncertain significance. Last evaluated: 2022-12-04. Review status: criteria provided, single submitter. Criteria: GeneDx Variant Classification Process June 2021. Collection method: clinical testing. Allele origin: germline. Affected: yes.
Comment: Not observed at significant frequency in large population cohorts (gnomAD); In silico analysis supports that this missense variant has a deleterious effect on protein structure/function; Has not been previously published as pathogenic or benign to our knowledge

CENTOGENE GmbH and LLC - Guiding Precision Medicine
Classification: Uncertain significance for Christianson syndrome. Last evaluated: 2018-09-26. Review status: criteria provided, single submitter. Criteria: ACMG Guidelines, 2015. Collection method: clinical testing. Allele origin: germline. Affected: yes.